The following is an entry in ClinVar:

ClinVar aggregate classification (germline): Likely benign. Review status: criteria provided, multiple submitters, no conflicts (2 of 4 stars). 3 submissions from 3 submitters: Likely benign (3). Last evaluated 2025-11-28.

Conditions:
PCARE-related disorder. Also called: PCARE-related condition.

Allele frequency attached by ClinVar (database versions not stated): gnomAD exomes 0.00001 and 0.00004; ExAC 0.00007; gnomAD 0.00013 and 0.00014; TOPMed 0.00020.

Submissions (3):

Labcorp Genetics (formerly Invitae), Labcorp
Classification: Likely benign. Last evaluated: 2025-11-28. Review status: criteria provided, single submitter. Criteria: Invitae Variant Classification Sherloc (09022015). Collection method: clinical testing. Allele origin: germline.

PreventionGenetics, part of Exact Sciences
Classification: Likely benign for PCARE-related condition. Last evaluated: 2025-10-10. Review status: criteria provided, single submitter. Criteria: ACMG Guidelines, 2015. Collection method: clinical testing. Allele origin: germline.
Comment: This variant is classified as likely benign based on ACMG/AMP sequence variant interpretation guidelines (Richards et al. 2015 PMID: 25741868, with internal and published modifications).

Blueprint Genetics
Classification: Likely benign. Last evaluated: 2022-08-31. Review status: criteria provided, single submitter. Criteria: ACMG Guidelines, 2015. Collection method: clinical testing. Allele origin: germline.

NM_001029883.3(PCARE):c.2259T>G (p.Ala753=)

Gene: PCARE (photoreceptor cilium actin regulator; minus strand). Cytogenetic location: 2p23.2.
Variant type: single nucleotide variant.
Coding change: c.2259T>G on transcript NM_001029883.3 (MANE Select); coding-DNA position 2259, T replaced by G.
Protein change: p.Ala753=; no amino-acid change (alanine 753 retained).
Molecular consequence: synonymous variant.
Genome position (GRCh38, 1-based): chr2:29,072,003, A>C on the plus strand (T>G on the coding strand, the complement: PCARE is on the minus strand). VCF-style: chr2-29072003-A-C. GRCh37 (hg19) VCF-style: chr2-29294869-A-C.
Other names: c.2259T>G (NM_001029883.2).
Identifiers: ClinVar variation 1136889 (VCV001136889.11), dbSNP rs762676298, ClinGen allele CA1592248.
Genomic context (GRCh38, chr2:29,072,003, plus strand): 5'-CCCTGTGTACTTGGGAAATCTGGGGGGCATGATGCAATTCCTGAGGCAGGGACTTGCCCC[A>C]GCGTCCTTAGAGTCCCCCAGCATCCTCAGACTCTCCGTGGGACTGAAAGTTTCAATAAGC-3'
Protein context (NP_001025054.1, residues 743-763): SLRMLGDSKD[Ala753=]GASPCLRNCI